The following is an entry in ClinVar:

ClinVar aggregate classification (germline): Uncertain significance. Review status: criteria provided, multiple submitters, no conflicts (2 of 4 stars). 2 submissions from 2 submitters: Uncertain significance (2). Last evaluated 2024-09-09.

Conditions:
Lymphangiomyomatosis (LAM). Also called: Lymphangioleiomyomatosis; Lymphangioleiomyomatosis, somatic. Identifiers: Orphanet 538, MedGen C0751674, MONDO:0011705, OMIM 606690.
Tuberous sclerosis 1 (TSC1). Identifiers: Orphanet 805, MedGen C1854465, MONDO:0008612, OMIM 191100.
Isolated focal cortical dysplasia type II (FCORD2). Also called: CORTICAL DYSPLASIA OF TAYLOR; Focal cortical dysplasia type II. Identifiers: Orphanet 268994, MedGen C1846385, MONDO:0011818, OMIM 607341, HP:0032051.
Hereditary cancer-predisposing syndrome. Also called: Hereditary Cancer Syndrome; Hereditary neoplastic syndrome; Neoplastic Syndromes, Hereditary; Tumor predisposition. Identifiers: Orphanet 140162, MedGen C0027672, MeSH D009386, MONDO:0015356.

Submissions (2):

Ambry Genetics
Classification: Uncertain significance for Hereditary cancer-predisposing syndrome. Last evaluated: 2024-09-09. Review status: criteria provided, single submitter. Criteria: Ambry Variant Classification Scheme 2023. Collection method: clinical testing. Allele origin: germline.
Comment: The p.C803G variant (also known as c.2407T>G), located in coding exon 17 of the TSC1 gene, results from a T to G substitution at nucleotide position 2407. The cysteine at codon 803 is replaced by glycine, an amino acid with highly dissimilar properties. This amino acid position is conserved. In addition, the in silico prediction for this alteration is inconclusive. Based on the available evidence, the clinical significance of this variant remains unclear.

Fulgent Genetics
Classification: Uncertain significance for Tuberous sclerosis 1; Lymphangiomyomatosis; Isolated focal cortical dysplasia type II. Last evaluated: 2024-06-17. Review status: criteria provided, single submitter. Criteria: ACMG Guidelines, 2015. Collection method: clinical testing. Allele origin: germline.

NM_000368.5(TSC1):c.2407T>G (p.Cys803Gly)

Gene: TSC1 (TSC complex subunit 1; minus strand). Cytogenetic location: 9q34.13.
Variant type: single nucleotide variant.
Coding change: c.2407T>G on transcript NM_000368.5 (MANE Select); coding-DNA position 2407, T replaced by G.
Protein change: p.Cys803Gly; replaces cysteine 803 with glycine.
Molecular consequence: missense variant. On other transcripts: non-coding transcript variant (5).
Genome position (GRCh38, 1-based): chr9:132,901,684, A>C on the plus strand (T>G on the coding strand, the complement: TSC1 is on the minus strand). VCF-style: chr9-132901684-A-C. GRCh37 (hg19) VCF-style: chr9-135777071-A-C.
Other names: c.2041T>G, p.Cys681Gly (NM_001406620.1, NM_001406621.1, NM_001406622.1 and 2 more transcripts); c.2044T>G, p.Cys682Gly (NM_001406624.1, NM_001362177.2, NM_001406614.1 and 5 more transcripts); c.1456T>G, p.Cys486Gly (NM_001406626.1); c.1453T>G, p.Cys485Gly (NM_001406627.1, NM_001406628.1); c.1354T>G, p.Cys452Gly (NM_001406629.1, NM_001406630.1); c.2392T>G, p.Cys798Gly (NM_001406601.1, NM_001406602.1); c.2389T>G, p.Cys797Gly (NM_001406603.1, NM_001406604.1); c.2407T>G, p.Cys803Gly (NM_001406605.1, NM_001406606.1, NM_001406607.1 and 5 more transcripts); and 3 more; short protein forms C486G, C752G, C797G, C485G, C681G, C751G, C802G, C682G.
Identifiers: ClinVar variation 3462467 (VCV003462467.2).